The following is an entry in ClinVar:

NM_001690.4(ATP6V1A):c.413G>A (p.Cys138Tyr)

Gene: ATP6V1A (ATPase H+ transporting V1 subunit A; plus strand). Cytogenetic location: 3q13.31.
Variant type: single nucleotide variant.
Coding change: c.413G>A on transcript NM_001690.4 (MANE Select); coding-DNA position 413, G replaced by A.
Protein change: p.Cys138Tyr; replaces cysteine 138 with tyrosine.
Molecular consequence: missense variant.
Genome position (GRCh38, 1-based): chr3:113,784,425, G>A. VCF-style: chr3-113784425-G-A. GRCh37 (hg19) VCF-style: chr3-113503272-G-A.
Other names: short protein forms C138Y.
Identifiers: ClinVar variation 3008600 (VCV003008600.3), dbSNP rs1383039332, ClinGen allele CA354008914.

ClinVar aggregate classification (germline): Uncertain significance (1 of 4 stars; one submission).

Allele frequency attached by ClinVar (database versions not stated): gnomAD 0.00001; TOPMed 0.00002.
gnomAD v4.1: 4 of 1,610,816 alleles (0.00025%); highest among the groups gnomAD compares: African/African-American, 0.0053%; no homozygotes.

Submission:

Labcorp Genetics (formerly Invitae), Labcorp
Classification: Uncertain significance. Last evaluated: 2023-07-16. Review status: criteria provided, single submitter. Criteria: Invitae Variant Classification Sherloc (09022015). Collection method: clinical testing. Allele origin: germline.
Comment: In summary, the available evidence is currently insufficient to determine the role of this variant in disease. Therefore, it has been classified as a Variant of Uncertain Significance. Advanced modeling of protein sequence and biophysical properties (such as structural, functional, and spatial information, amino acid conservation, physicochemical variation, residue mobility, and thermodynamic stability) performed at Invitae indicates that this missense variant is not expected to disrupt ATP6V1A protein function. This variant has not been reported in the literature in individuals affected with ATP6V1A-related conditions. This variant is present in population databases (no rsID available, gnomAD 0.008%). This sequence change replaces cysteine, which is neutral and slightly polar, with tyrosine, which is neutral and polar, at codon 138 of the ATP6V1A protein (p.Cys138Tyr).